The following is an entry in ClinVar:

ClinVar aggregate classification (germline): Uncertain significance (1 of 4 stars; one submission).

Conditions:
GRN-related frontotemporal lobar degeneration with Tdp43 inclusions (FTD2). Also called: DEMENTIA, HEREDITARY DYSPHASIC DISINHIBITION; FRONTOTEMPORAL LOBAR DEGENERATION WITH UBIQUITIN-POSITIVE INCLUSIONS; FTLD-TDP, GRN-RELATED; GRN Frontotemporal Dementia; FRONTOTEMPORAL DEMENTIA WITH TDP43 INCLUSIONS, GRN-RELATED. Identifiers: Orphanet 100070, Orphanet 282, MedGen C1843792, MONDO:0011842, OMIM 607485. Disease mechanism: loss of function.
Neuronal ceroid lipofuscinosis 11. Also called: GRN-Related Neuronal Ceroid-Lipofuscinosis. Identifiers: Orphanet 314629, Orphanet 79262, MedGen C3539123, MONDO:0013866, OMIM 614706.

Allele frequency attached by ClinVar (database versions not stated): gnomAD 0.00001; TOPMed 0.00001; ExAC 0.00003; ESP Exome Variant Server 0.00008; 1000 Genomes Project 0.00040; 1000 Genomes Project 30x 0.00047.

Submission:

Labcorp Genetics (formerly Invitae), Labcorp
Classification: Uncertain significance for Neuronal ceroid lipofuscinosis 11; GRN-related frontotemporal lobar degeneration with Tdp43 inclusions. Last evaluated: 2025-07-05. Review status: criteria provided, single submitter. Criteria: Invitae Variant Classification Sherloc (09022015). Collection method: clinical testing. Allele origin: germline.
Comment: This sequence change replaces arginine, which is basic and polar, with glutamine, which is neutral and polar, at codon 538 of the GRN protein (p.Arg538Gln). This variant is present in population databases (rs201449826, gnomAD 0.007%). This variant has not been reported in the literature in individuals affected with GRN-related conditions. ClinVar contains an entry for this variant (Variation ID: 2193636). Invitae Evidence Modeling of protein sequence and biophysical properties (such as structural, functional, and spatial information, amino acid conservation, physicochemical variation, residue mobility, and thermodynamic stability) indicates that this missense variant is not expected to disrupt GRN protein function with a negative predictive value of 80%. In summary, the available evidence is currently insufficient to determine the role of this variant in disease. Therefore, it has been classified as a Variant of Uncertain Significance.

NM_002087.4(GRN):c.1613G>A (p.Arg538Gln)

Gene: GRN (granulin precursor; plus strand). Cytogenetic location: 17q21.31.
Variant type: single nucleotide variant.
Coding change: c.1613G>A on transcript NM_002087.4 (MANE Select); coding-DNA position 1613, G replaced by A.
Protein change: p.Arg538Gln; replaces arginine 538 with glutamine.
Molecular consequence: missense variant.
Genome position (GRCh38, 1-based): chr17:44,352,540, G>A. VCF-style: chr17-44352540-G-A. GRCh37 (hg19) VCF-style: chr17-42429908-G-A.
Other names: short protein forms R538Q.
Identifiers: ClinVar variation 2193636 (VCV002193636.4), dbSNP rs201449826, ClinGen allele CA8602248.
Genomic context (GRCh38, chr17:44,352,540, plus strand): 5'-ACGTGGAGTGTGGGGAAGGACACTTCTGCCATGATAACCAGACCTGCTGCCGAGACAACC[G>A]ACAGGGCTGGGCCTGCTGTCCCTACCGCCAGGTCAGTGCCAACCCCCATCCTGGGGCTGG-3'
Protein context (NP_002078.1, residues 528-548): HDNQTCCRDN[Arg538Gln]QGWACCPYRQ